The following is an entry in ClinVar:

ClinVar aggregate classification (germline): Uncertain significance. Review status: criteria provided, multiple submitters, no conflicts (2 of 4 stars). 2 submissions from 2 submitters: Uncertain significance (2). Last evaluated 2022-09-12.

Conditions:
Inborn genetic diseases. Identifiers: MedGen C0950123, MeSH D030342.

Submissions (2):

Ambry Genetics
Classification: Uncertain significance for Inborn genetic diseases. Last evaluated: 2022-09-12. Review status: criteria provided, single submitter. Criteria: Ambry Variant Classification Scheme 2023. Collection method: clinical testing. Allele origin: germline.
Comment: Not expected to trigger nonsense-mediated mRNA decay Based on insufficient or conflicting evidence, the clinical significance of this alteration remains unclear.

Labcorp Genetics (formerly Invitae), Labcorp
Classification: Uncertain significance. Last evaluated: 2022-06-04. Review status: criteria provided, single submitter. Criteria: Invitae Variant Classification Sherloc (09022015). Collection method: clinical testing. Allele origin: germline.
Comment: The frequency data for this variant in the population databases is considered unreliable, as metrics indicate poor data quality at this position in the gnomAD database. This sequence change creates a premature translational stop signal (p.Pro1546Alafs*9) in the PTPN23 gene. While this is not anticipated to result in nonsense mediated decay, it is expected to disrupt the last 91 amino acid(s) of the PTPN23 protein. This variant has not been reported in the literature in individuals affected with PTPN23-related conditions. In summary, the available evidence is currently insufficient to determine the role of this variant in disease. Therefore, it has been classified as a Variant of Uncertain Significance. Algorithms developed to predict the effect of sequence changes on RNA splicing suggest that this variant may create or strengthen a splice site.

NM_015466.4(PTPN23):c.4634_4635insA (p.Pro1546fs)

Gene: PTPN23 (protein tyrosine phosphatase non-receptor type 23; plus strand). Cytogenetic location: 3p21.31.
Variant type: Insertion.
Coding change: c.4634_4635insA on transcript NM_015466.4 (MANE Select); coding-DNA positions 4634 to 4635, A inserted.
Protein change: p.Pro1546fs; shifts the reading frame from proline 1546.
Molecular consequence: frameshift variant.
Genome position: GRCh38 VCF-style: chr3-47412908-C-CA. GRCh37 (hg19) VCF-style: chr3-47454398-C-CA.
Other names: c.4256_4257insA, p.Pro1420fs (NM_001304482.2); short protein forms P1420fs, P1546fs.
Identifiers: ClinVar variation 1973360 (VCV001973360.4), dbSNP rs1553640841, ClinGen allele CA543043286.